The following is an entry in ClinVar:

NM_020379.4(MAN1C1):c.1767-4A>G

Gene: MAN1C1 (mannosidase alpha class 1C member 1; plus strand). Cytogenetic location: 1p36.11.
Variant type: single nucleotide variant.
Coding change: c.1767-4A>G on transcript NM_020379.4 (MANE Select); 4 bases into the intron before coding-DNA position 1767, A replaced by G.
Molecular consequence: intron variant.
Genome position (GRCh38, 1-based): chr1:25,783,659, A>G. VCF-style: chr1-25783659-A-G. GRCh37 (hg19) VCF-style: chr1-26110150-A-G.
Other names: c.1869-4A>G (NM_001385182.1); c.1839-4A>G (NM_001385183.1); c.1767-185A>G (NM_001289010.2); c.1263-4A>G (NM_001385184.1); c.1080-4A>G (NM_001385185.1).
Identifiers: ClinVar variation 3035103 (VCV003035103.2), dbSNP rs187331964, ClinGen allele CA696397.

ClinVar aggregate classification (germline): Likely benign (0 of 4 stars; one submission).

Conditions:
MAN1C1-related disorder. Also called: MAN1C1-related condition.

Allele frequency attached by ClinVar (database versions not stated): ESP Exome Variant Server 0.00015; 1000 Genomes Project 30x 0.00016; 1000 Genomes Project 0.00020; TOPMed 0.00027; gnomAD 0.00028; ExAC 0.00035; gnomAD exomes 0.00046.
gnomAD v4.1: 712 of 1,611,558 alleles (0.044%); highest among the groups gnomAD compares: Non-Finnish European, 0.056%; 1 homozygote.

Submission:

PreventionGenetics, part of Exact Sciences
Classification: Likely benign for MAN1C1-related condition. Last evaluated: 2019-10-21. Review status: no assertion criteria provided. Collection method: clinical testing. Allele origin: germline.
Comment: This variant is classified as likely benign based on ACMG/AMP sequence variant interpretation guidelines (Richards et al. 2015 PMID: 25741868, with internal and published modifications).